The following is an entry in ClinVar:

NM_015378.4(VPS13D):c.6320C>T (p.Thr2107Met)

Gene: VPS13D (vacuolar protein sorting 13 homolog D; plus strand). Cytogenetic location: 1p36.22.
Variant type: single nucleotide variant.
Coding change: c.6320C>T on transcript NM_015378.4 (MANE Select); coding-DNA position 6320, C replaced by T.
Protein change: p.Thr2107Met; replaces threonine 2107 with methionine.
Molecular consequence: missense variant.
Genome position (GRCh38, 1-based): chr1:12,304,609, C>T. VCF-style: chr1-12304609-C-T. GRCh37 (hg19) VCF-style: chr1-12364666-C-T.
Other names: c.6320C>T, p.Thr2107Met (NM_018156.4); c.6320C>T (NM_015378.2); short protein forms T2107M.
Identifiers: ClinVar variation 1466628 (VCV001466628.7), dbSNP rs112983641, ClinGen allele CA602564.

ClinVar aggregate classification (germline): Conflicting classifications of pathogenicity. Review status: criteria provided, conflicting classifications (1 of 4 stars). 2 submissions from 2 submitters: Uncertain significance (1); Likely benign (1). Last evaluated 2024-12-31.

Conditions:
Inborn genetic diseases. Identifiers: MedGen C0950123, MeSH D030342.

Allele frequency attached by ClinVar (database versions not stated): gnomAD exomes 0.00004 and 0.00008; TOPMed 0.00005; gnomAD 0.00006 and 0.00009; ExAC 0.00007; ESP Exome Variant Server 0.00015.
gnomAD v4.1: 91 of 1,614,098 alleles (0.0056%); highest among the groups gnomAD compares: African/African-American, 0.023%; 1 homozygote.

Submissions (2):

Ambry Genetics
Classification: Likely benign for Inborn genetic diseases. Last evaluated: 2024-12-31. Review status: criteria provided, single submitter. Criteria: Ambry Variant Classification Scheme 2023. Collection method: clinical testing. Allele origin: germline.

Labcorp Genetics (formerly Invitae), Labcorp
Classification: Uncertain significance. Last evaluated: 2024-09-06. Review status: criteria provided, single submitter. Criteria: Invitae Variant Classification Sherloc (09022015). Collection method: clinical testing. Allele origin: germline.
Comment: This sequence change replaces threonine, which is neutral and polar, with methionine, which is neutral and non-polar, at codon 2107 of the VPS13D protein (p.Thr2107Met). This variant is present in population databases (rs112983641, gnomAD 0.03%). This variant has not been reported in the literature in individuals affected with VPS13D-related conditions. ClinVar contains an entry for this variant (Variation ID: 1466628). Invitae Evidence Modeling of protein sequence and biophysical properties (such as structural, functional, and spatial information, amino acid conservation, physicochemical variation, residue mobility, and thermodynamic stability) indicates that this missense variant is not expected to disrupt VPS13D protein function with a negative predictive value of 80%. In summary, the available evidence is currently insufficient to determine the role of this variant in disease. Therefore, it has been classified as a Variant of Uncertain Significance.